The following is an entry in ClinVar:

ClinVar aggregate classification (germline): Benign. Review status: criteria provided, multiple submitters, no conflicts (2 of 4 stars). 6 submissions from 5 submitters: Benign (6). Last evaluated 2024-07-15.

Conditions:
Macrothrombocytopenia and granulocyte inclusions with or without nephritis or sensorineural hearing loss (MATINS). Also called: MACROTHROMBOCYTOPENIA WITH LEUKOCYTE INCLUSIONS; BLEEDING DISORDER, PLATELET-TYPE, 6; MAY-HEGGLIN ANOMALY; DOHLE LEUKOCYTE INCLUSIONS WITH GIANT PLATELETS; MYH9-Related Disease (MYH9-RD); SEBASTIAN PLATELET SYNDROME. Identifiers: Orphanet 182050, MedGen C5200934, MONDO:0015912, OMIM 155100.
Autosomal dominant nonsyndromic hearing loss 17. Also called: Deafness, autosomal dominant 17; Autosomal dominant nonsyndromic deafness 17. Identifiers: Orphanet 90635, MedGen C1863659, MONDO:0011350, OMIM 603622.

Allele frequency attached by ClinVar (database versions not stated): 1000 Genomes Project 0.48562; TOPMed 0.60689; gnomAD exomes 0.64948 and 0.58826; 1000 Genomes Project 30x 0.49329; gnomAD 0.61886 and 0.60721; ESP Exome Variant Server 0.63342; ExAC 0.59165.
gnomAD v4.1: 1,033,474 of 1,604,594 alleles (64%); highest among the groups gnomAD compares: Non-Finnish European, 69%; 342,601 homozygotes.

Submissions (7):

Unidad de Genómica Garrahan, Hospital de Pediatría Garrahan
Classification: Benign. Last evaluated: 2024-07-15. Review status: criteria provided, single submitter. Criteria: ACMG Guidelines, 2015. Collection method: clinical testing. Allele origin: germline. Affected: no. Observed: 81 variant alleles.
Comment: This variant is classified as Benign based on local population frequency. This variant was detected in 87% of patients studied in a panel designed for Epileptic and Developmental Encephalopathy and Progressive Myoclonus Epilepsy. Number of patients: 81. Only high quality variants are reported.

Genome-Nilou Lab
Classification: Benign for Autosomal dominant nonsyndromic hearing loss 17. Last evaluated: 2021-09-05. Review status: criteria provided, single submitter. Criteria: ACMG Guidelines, 2015. Collection method: clinical testing. Allele origin: germline. Affected: no.

Genome-Nilou Lab
Classification: Benign for Macrothrombocytopenia and granulocyte inclusions with or without nephritis or sensorineural hearing loss. Last evaluated: 2021-09-05. Review status: criteria provided, single submitter. Criteria: ACMG Guidelines, 2015. Collection method: clinical testing. Allele origin: germline. Affected: no.

GeneDx
Classification: Benign. Last evaluated: 2018-06-24. Review status: criteria provided, single submitter. Criteria: GeneDx Variant Classification Process June 2021. Collection method: clinical testing. Allele origin: germline. Affected: yes.

Breakthrough Genomics
Classification: Benign. Review status: criteria provided, single submitter. Criteria: ACMG Guidelines, 2015. Collection method: not provided. Allele origin: germline. Inheritance: Autosomal dominant inheritance. Affected: yes.

PreventionGenetics, part of Exact Sciences
Classification: Benign. Review status: criteria provided, single submitter. Criteria: ACMG Guidelines, 2015. Collection method: clinical testing. Allele origin: germline.

Dr. Peter K. Rogan Lab, Western University
No classification provided (evidence only). Condition: Hepatocellular carcinoma. Review status: no classification provided. Collection method: in vitro. Allele origin: not applicable. Functional consequence: retained intron. Not counted in ClinVar's aggregate classification.

NM_002473.6(MYH9):c.3837+25C>T

Gene: MYH9 (myosin heavy chain 9; minus strand). Cytogenetic location: 22q12.3.
Variant type: single nucleotide variant.
Coding change: c.3837+25C>T on transcript NM_002473.6 (MANE Select); 25 bases into the intron after coding-DNA position 3837, C replaced by T.
Molecular consequence: intron variant.
Genome position (GRCh38, 1-based): chr22:36,294,067, G>A on the plus strand (C>T on the coding strand, the complement: MYH9 is on the minus strand). VCF-style: chr22-36294067-G-A. GRCh37 (hg19) VCF-style: chr22-36690113-G-A.
Other names: NC_000022.10:g.36690113G>A.
Identifiers: ClinVar variation 258745 (VCV000258745.11), dbSNP rs4821478, ClinGen allele CA10209556.
Genomic context (GRCh38, chr22:36,294,067, plus strand): 5'-AGAGAGCACACATGCACCTGGGGACCTGGGCCACAACTGCTGCTAGGGCCCACTGCCCGC[G>A]CCAGGGTCCTGGCGGAGGCCTCACCTGCAGCTTGGTGACCTTGTCGGCCAGCTCTGTGCG-3'